The following is an entry in ClinVar:

NM_001353345.2(SETD1B):c.960C>A (p.Ala320=)

Gene: SETD1B (SET domain containing 1B, histone lysine methyltransferase; plus strand). Cytogenetic location: 12q24.31.
Variant type: single nucleotide variant.
Coding change: c.960C>A on transcript NM_001353345.2 (MANE Select); coding-DNA position 960, C replaced by A.
Protein change: p.Ala320=; no amino-acid change (alanine 320 retained).
Molecular consequence: synonymous variant.
Genome position (GRCh38, 1-based): chr12:121,809,905, C>A. VCF-style: chr12-121809905-C-A. GRCh37 (hg19) VCF-style: chr12-122247811-C-A.
Identifiers: ClinVar variation 2643420 (VCV002643420.24), dbSNP rs369474009, ClinGen allele CA244635961.

ClinVar aggregate classification (germline): Likely benign (1 of 4 stars; one submission).

Allele frequency attached by ClinVar (database versions not stated): gnomAD 0.00001; gnomAD exomes 0.00001; TOPMed 0.00001; ESP Exome Variant Server 0.00022.
gnomAD v4.1: 6 of 1,550,876 alleles (0.00039%); highest among the groups gnomAD compares: Non-Finnish European, 0.00052%; no homozygotes.

Submission:

CeGaT Center for Human Genetics Tuebingen
Classification: Likely benign. Last evaluated: 2022-05-01. Review status: criteria provided, single submitter. Criteria: CeGaT Center For Human Genetics Tuebingen Variant Classification Criteria Version 2. Collection method: clinical testing. Allele origin: germline. Affected: yes. Observed: 1 variant allele.
Comment: SETD1B: BP4, BP7